The following is an entry in ClinVar:

ClinVar aggregate classification (germline): Likely benign (1 of 4 stars; one submission).

Submission:

Mayo Clinic Laboratories, Mayo Clinic
Classification: Likely benign. Last evaluated: 2025-11-01. Review status: criteria provided, single submitter. Criteria: ACMG Guidelines, 2015. Collection method: clinical testing. Allele origin: germline. Observed: 1 variant allele.
Comment: BP4, BP7

NM_001377137.1(GBF1):c.1863A>C (p.Arg621=)

Gene: GBF1 (golgi brefeldin A resistant guanine nucleotide exchange factor 1; plus strand). Cytogenetic location: 10q24.32.
Variant type: single nucleotide variant.
Coding change: c.1863A>C on transcript NM_001377137.1 (MANE Select); coding-DNA position 1863, A replaced by C.
Protein change: p.Arg621=; no amino-acid change (arginine 621 retained).
Molecular consequence: synonymous variant. On other transcripts: non-coding transcript variant (5), intron variant (3).
Genome position (GRCh38, 1-based): chr10:102,362,651, A>C. VCF-style: chr10-102362651-A-C. GRCh37 (hg19) VCF-style: chr10-104122408-A-C.
Other names: p.Arg620=; c.1863A>C, p.Arg621= (NM_001199378.2, NM_001391923.1); c.1860A>C, p.Arg620= (NM_001199379.2, NM_001377141.1, NM_001391924.1 and 5 more transcripts); c.1566A>C, p.Arg522= (NM_001377139.1, NM_001377140.1); c.1959A>C, p.Arg653= (NM_001391922.1, NM_001411027.1); c.1482A>C, p.Arg494= (NM_001391931.1); c.1935A>C, p.Arg645= (NM_001411003.1); c.1840+23A>C (NM_001391926.1); and 1 more.
Identifiers: ClinVar variation 4683545 (VCV004683545.1).